The following is an entry in ClinVar:

ClinVar aggregate classification (germline): Uncertain significance (1 of 4 stars; one submission).

Allele frequency attached by ClinVar (database versions not stated): gnomAD exomes below 0.00001.
gnomAD v4.1: 4 of 1,612,672 alleles (0.00025%); highest among the groups gnomAD compares: Non-Finnish European, 0.00025%; no homozygotes.

Submission:

Labcorp Genetics (formerly Invitae), Labcorp
Classification: Uncertain significance. Last evaluated: 2025-02-28. Review status: criteria provided, single submitter. Criteria: Invitae Variant Classification Sherloc (09022015). Collection method: clinical testing. Allele origin: germline.
Comment: This sequence change replaces alanine, which is neutral and non-polar, with valine, which is neutral and non-polar, at codon 830 of the KMT2E protein (p.Ala830Val). This variant is not present in population databases (gnomAD no frequency). This variant has not been reported in the literature in individuals affected with KMT2E-related conditions. ClinVar contains an entry for this variant (Variation ID: 2873183). Invitae Evidence Modeling of protein sequence and biophysical properties (such as structural, functional, and spatial information, amino acid conservation, physicochemical variation, residue mobility, and thermodynamic stability) indicates that this missense variant is not expected to disrupt KMT2E protein function with a negative predictive value of 80%. Algorithms developed to predict the effect of sequence changes on RNA splicing suggest that this variant may disrupt the consensus splice site. In summary, the available evidence is currently insufficient to determine the role of this variant in disease. Therefore, it has been classified as a Variant of Uncertain Significance.

NM_182931.3(KMT2E):c.2489C>T (p.Ala830Val)

Gene: KMT2E (lysine methyltransferase 2E (inactive); plus strand). Cytogenetic location: 7q22.3.
Variant type: single nucleotide variant.
Coding change: c.2489C>T on transcript NM_182931.3 (MANE Select); coding-DNA position 2489, C replaced by T.
Protein change: p.Ala830Val; replaces alanine 830 with valine.
Molecular consequence: missense variant.
Genome position (GRCh38, 1-based): chr7:105,105,896, C>T. VCF-style: chr7-105105896-C-T. GRCh37 (hg19) VCF-style: chr7-104746343-C-T.
Other names: c.2489C>T, p.Ala830Val (NM_001410908.1, NM_018682.4); short protein forms A830V.
Identifiers: ClinVar variation 2873183 (VCV002873183.3), dbSNP rs2536504014, ClinGen allele CA368786536.